The following is an entry in ClinVar:

NM_000138.5(FBN1):c.2294-14C>G

Gene: FBN1 (fibrillin 1; minus strand). Cytogenetic location: 15q21.1.
Variant type: single nucleotide variant.
Coding change: c.2294-14C>G on transcript NM_000138.5 (MANE Select); 14 bases into the intron before coding-DNA position 2294, C replaced by G.
Molecular consequence: intron variant.
Genome position (GRCh38, 1-based): chr15:48,496,239, G>C on the plus strand (C>G on the coding strand, the complement: FBN1 is on the minus strand). VCF-style: chr15-48496239-G-C. GRCh37 (hg19) VCF-style: chr15-48788436-G-C.
Identifiers: ClinVar variation 1669012 (VCV001669012.14), dbSNP rs201446948, ClinGen allele CA047400.

ClinVar aggregate classification (germline): Conflicting classifications of pathogenicity. Review status: criteria provided, conflicting classifications (1 of 4 stars). 5 submissions from 5 submitters: Uncertain significance (1); Benign (2); Likely benign (2). Last evaluated 2025-12-30.

Conditions:
Marfan syndrome (MFS). Also called: Marfan syndrome, classic; MARFAN SYNDROME, TYPE I; Marfan syndrome type 1; Marfan's syndrome; FBN1-Related Marfan Syndrome. Identifiers: Orphanet 284963, Orphanet 558, MedGen C0024796, MONDO:0007947, OMIM 154700.
Familial thoracic aortic aneurysm and aortic dissection (TAAD). Also called: Thoracic aortic aneurysms and dissections. Identifiers: Orphanet 91387, MedGen C4707243, MONDO:0019625.

Allele frequency attached by ClinVar (database versions not stated): TOPMed 0.00002; gnomAD exomes 0.00006 and 0.00009; gnomAD 0.00008; 1000 Genomes Project 0.00020; 1000 Genomes Project 30x 0.00016; ExAC 0.00008; ESP Exome Variant Server 0.00008.

Submissions (5):

Labcorp Genetics (formerly Invitae), Labcorp
Classification: Benign for Marfan syndrome; Familial thoracic aortic aneurysm and aortic dissection. Last evaluated: 2025-12-30. Review status: criteria provided, single submitter. Criteria: Invitae Variant Classification Sherloc (09022015). Collection method: clinical testing. Allele origin: germline.

Color Diagnostics, LLC DBA Color Health
Classification: Benign for Familial thoracic aortic aneurysm and aortic dissection. Last evaluated: 2025-06-04. Review status: criteria provided, single submitter. Criteria: ACMG Guidelines, 2015. Collection method: clinical testing. Allele origin: germline.

Women's Health and Genetics/Laboratory Corporation of America, LabCorp
Classification: Likely benign. Last evaluated: 2024-12-12. Review status: criteria provided, single submitter. Criteria: LabCorp Variant Classification Summary - May 2015. Collection method: clinical testing. Allele origin: germline.

All of Us Research Program, National Institutes of Health
Classification: Uncertain significance for Marfan syndrome. Last evaluated: 2023-12-13. Review status: criteria provided, single submitter. Criteria: ACMG Guidelines, 2015. Collection method: clinical testing. Allele origin: germline. Inheritance: Autosomal dominant inheritance. Observed: 9 variant alleles, 9 heterozygotes.
Comment: This variant causes a C to G nucleotide substitution at the -14 position of intron 19 of the FBN1 gene. Splice prediction tools and conservation analysis are inconclusive regarding the impact of this variant on RNA splicing. To our knowledge, functional studies have not been reported for this variant. This variant has not been reported in individuals affected with FBN1-related disorders in the literature. This variant has been identified in 26/282642 chromosomes in the general population by the Genome Aggregation Database (gnomAD). The available evidence is insufficient to determine the role of this variant in disease conclusively. Therefore, this variant is classified as a Variant of Uncertain Significance.

This study involves interpretation of variants in research participants for the purpose of population health screening. Participant phenotype was not available at the time of variant classification. Additional details can be found in publication PMID: 35346344, PMCID: PMC8962531

Blueprint Genetics
Classification: Likely benign. Last evaluated: 2023-06-29. Review status: criteria provided, single submitter. Criteria: ACMG Guidelines, 2015. Collection method: clinical testing. Allele origin: germline.